The following is an entry in ClinVar:

NM_001370466.1(NOD2):c.2287C>T (p.Arg763Trp)

Gene: NOD2 (nucleotide binding oligomerization domain containing 2; plus strand). Cytogenetic location: 16q12.1.
Variant type: single nucleotide variant.
Coding change: c.2287C>T on transcript NM_001370466.1 (MANE Select); coding-DNA position 2287, C replaced by T.
Protein change: p.Arg763Trp; replaces arginine 763 with tryptophan.
Molecular consequence: missense variant. On other transcripts: non-coding transcript variant (1).
Genome position (GRCh38, 1-based): chr16:50,712,279, C>T. VCF-style: chr16-50712279-C-T. GRCh37 (hg19) VCF-style: chr16-50746190-C-T.
Other names: c.2287C>T, p.Arg763Trp (NM_001293557.2); c.2368C>T, p.Arg790Trp (NM_022162.3); short protein forms R763W, R790W.
Identifiers: ClinVar variation 1330980 (VCV001330980.16), dbSNP rs62029861, ClinGen allele CA8051761.
Genomic context (GRCh38, chr16:50,712,279, plus strand): 5'-ACATTTTGCAGTGTGGGCCCCACTGAGTGTGCTGCCCTGGCCTTTGTGCTGCAGCACCTC[C>T]GGCGGCCCGTGGCCCTGCAGCTGGACTACAACTCTGTGGGTGACATTGGCGTGGAGCAGC-3'
Protein context (NP_001357395.1, residues 753-773): AALAFVLQHL[Arg763Trp]RPVALQLDYN

ClinVar aggregate classification (germline): Uncertain significance. Review status: criteria provided, multiple submitters, no conflicts (2 of 4 stars). 4 submissions from 4 submitters: Uncertain significance (4). Last evaluated 2026-01-16.

Conditions:
Autoinflammatory syndrome. Identifiers: Orphanet 93665, MedGen C3890737, MONDO:0019751.
Regional enteritis. Also called: Enteritis, Granulomatous. Identifiers: MedGen C0678202, MeSH D003424.
Blau syndrome (BLAUS). Also called: GRANULOMATOSIS, FAMILIAL JUVENILE SYSTEMIC; GRANULOMATOSIS, FAMILIAL, BLAU TYPE; GRANULOMATOUS INFLAMMATORY ARTHRITIS, DERMATITIS, AND UVEITIS, FAMILIAL; JABS SYNDROME; ARTHROCUTANEOUVEAL GRANULOMATOSIS. Identifiers: Orphanet 90340, MedGen C5201146, MONDO:0008523, OMIM 186580.

Allele frequency attached by ClinVar (database versions not stated): TOPMed 0.00002; gnomAD 0.00005; gnomAD exomes 0.00005 and 0.00008; ExAC 0.00007.

Submissions (4):

Labcorp Genetics (formerly Invitae), Labcorp
Classification: Uncertain significance for Regional enteritis; Blau syndrome. Last evaluated: 2026-01-16. Review status: criteria provided, single submitter. Criteria: Invitae Variant Classification Sherloc (09022015). Collection method: clinical testing. Allele origin: germline.
Comment: This sequence change replaces arginine, which is basic and polar, with tryptophan, which is neutral and slightly polar, at codon 790 of the NOD2 protein (p.Arg790Trp). This variant is present in population databases (rs62029861, gnomAD 0.02%). This missense change has been observed in individual(s) with Crohn’s disease (PMID: 16485124). ClinVar contains an entry for this variant (Variation ID: 1330980). Invitae Evidence Modeling of protein sequence and biophysical properties (such as structural, functional, and spatial information, amino acid conservation, physicochemical variation, residue mobility, and thermodynamic stability) has been performed for this missense variant. However, the output from this modeling did not meet the statistical confidence thresholds required to predict the impact of this variant on NOD2 protein function. In summary, the available evidence is currently insufficient to determine the role of this variant in disease. Therefore, it has been classified as a Variant of Uncertain Significance.

Blueprint Genetics
Classification: Uncertain significance. Last evaluated: 2023-10-05. Review status: criteria provided, single submitter. Criteria: ACMG Guidelines, 2015. Collection method: clinical testing. Allele origin: germline.

ARUP Laboratories, Molecular Genetics and Genomics, ARUP Laboratories
Classification: Uncertain significance. Last evaluated: 2021-02-10. Review status: criteria provided, single submitter. Criteria: ARUP Molecular Germline Variant Investigation Process 2021. Collection method: clinical testing. Allele origin: germline.
Comment: The NOD2 c.2368C>T; p.Arg790Trp variant (rs62029861) is reported in the literature in an individual with inflammatory bowel disease (Schnitzler 2006), but to our knowledge, is not reported in an individual with a periodic fever disease. The variant is reported in the general population with an overall allele frequency of 0.008% (23/281,246 alleles) in the Genome Aggregation Database. The arginine at codon 790 is moderately conserved but computational analyses predict that this variant is neutral (REVEL: 0.129). Due to limited information, the clinical significance of the p.Arg790Trp variant is uncertain at this time. References: Schnitzler et al. Eight novel CARD15 variants detected by DNA sequence analysis of the CARD15 gene in 111 patients with inflammatory bowel disease. Immunogenetics. 2006 Apr;58(2-3):99-106.

Genome Diagnostics Laboratory, The Hospital for Sick Children
Classification: Uncertain significance for Autoinflammatory syndrome. Last evaluated: 2019-12-01. Review status: criteria provided, single submitter. Criteria: ACMG Guidelines, 2015. Collection method: clinical testing. Allele origin: germline. Affected: yes.

Literature cited by the submitters: PubMed 16485124 (cited by Labcorp Genetics (formerly Invitae), Labcorp).